The following is an entry in ClinVar:

ClinVar aggregate classification (germline): Likely pathogenic (1 of 4 stars; one submission).

Conditions:
Amyotrophic lateral sclerosis type 1 (ALS1). Also called: AMYOTROPHIC LATERAL SCLEROSIS 1, FAMILIAL. Identifiers: Orphanet 803, MedGen C1862939, MONDO:0007103, OMIM 105400.

gnomAD v4.1: 4 of 1,613,264 alleles (0.00025%); highest among the groups gnomAD compares: Admixed American, 0.0017%; no homozygotes.

Submission:

Department of Molecular Genetics, Istishari Arab Hospital
Classification: Likely pathogenic for Amyotrophic lateral sclerosis type 1. Last evaluated: 2026-04-22. Review status: criteria provided, single submitter. Criteria: ACMG Guidelines, 2015. Collection method: clinical testing. Allele origin: germline. Inheritance: Autosomal recessive inheritance. Affected: yes.
Comment: The PRPH variant c.745C>T, p.Gln249* creates a premature stop codon at position 249 in exon 4 (out of 9 exons). The variant is observed at very low frequency in the gnomAD v4.1.0 dataset (<0.001), and, to the best of our knowledge, it has not been previously reported in the literature. It is classified as likely pathogenic according to the recommendations of ACMG/AMP/ClinGen SVI guidelines.

NM_006262.4(PRPH):c.745C>T (p.Gln249Ter)

Genes: PRPH (peripherin; plus strand), TROAP-AS1 (TROAP and PRPH antisense RNA 1; minus strand). Cytogenetic location: 12q13.12.
Variant type: single nucleotide variant.
Coding change: c.745C>T on transcript NM_006262.4 (MANE Select); coding-DNA position 745, C replaced by T.
Protein change: p.Gln249Ter; replaces glutamine 249 with a stop codon.
Molecular consequence: nonsense. On other transcripts: non-coding transcript variant (1).
Genome position (GRCh38, 1-based): chr12:49,296,931, C>T. VCF-style: chr12-49296931-C-T. GRCh37 (hg19) VCF-style: chr12-49690714-C-T.
Other names: p.Gln249*; short protein forms Q249*.
Identifiers: ClinVar variation 4845223 (VCV004845223.1).